The following is an entry in ClinVar:

NM_033305.3(VPS13A):c.2833_2834del (p.Lys945fs)

Gene: VPS13A (vacuolar protein sorting 13 homolog A; plus strand). Cytogenetic location: 9q21.2.
Variant type: Deletion.
Coding change: c.2833_2834del on transcript NM_033305.3 (MANE Select); coding-DNA positions 2833 to 2834, 2 bases deleted (AA; older notation c.2833_2834delAA).
Protein change: p.Lys945fs; shifts the reading frame from lysine 945.
Molecular consequence: frameshift variant.
Genome position (GRCh38, 1-based): chr9:77,280,167-77,280,168, AA deleted. VCF-style (leftmost placement, unchanged base first): chr9-77280166-CAA-C. GRCh37 (hg19) VCF-style: chr9-79895082-CAA-C.
Other names: c.2833_2834del, p.Lys945fs (NM_001018037.2, NM_001018038.3, NM_015186.4); short protein forms K945fs.
Identifiers: ClinVar variation 5011573 (VCV005011573.1).

ClinVar aggregate classification (germline): Pathogenic (1 of 4 stars; one submission).

Conditions:
VPS13A-related neurodegenerative disease. Also called: ACANTHOCYTOSIS WITH NEUROLOGIC DISORDER; LEVINE-CRITCHLEY SYNDROME; Choreoacanthocytosis; Chorea-acanthocytosis; Choreaacanthocytosis; VPS13A Disease. Identifiers: Orphanet 2388, MedGen C0393576, MONDO:0008695, OMIM 200150.

Submission:

Myriad Genetics, Inc.
Classification: Pathogenic for VPS13A-related neurodegenerative disease. Last evaluated: 2024-05-14. Review status: criteria provided, single submitter. Criteria: Myriad Autosomal Dominant, Autosomal Recessive and X-Linked Classification Criteria (2023). Collection method: clinical testing. Allele origin: unknown.
Comment: NM_033305.2(VPS13A):c.2833_2834delAA(K945Efs*11) is expected to be pathogenic in the context of VPS13A disease. This variant is predicted to lead to an abnormal or absent protein product due to the creation of a premature termination codon in VPS13A, a gene where loss-of-function variants are known to be pathogenic. Please note: this variant was assessed in the context of healthy population screening.